The following is an entry in ClinVar:

ClinVar aggregate classification (germline): Pathogenic (1 of 4 stars; one submission).

Conditions:
Retinoblastoma (RB1). Also called: RETINOBLASTOMA, SOMATIC. Identifiers: Orphanet 790, MedGen C0035335, MeSH D012175, MONDO:0008380, OMIM 180200, HP:0009919. Disease mechanism: loss of function. Inheritance: Both sporadic and heritable forms are tested..

Submission:

Genetic Diagnostic Laboratory, University of Pennsylvania School of Medicine
Classification: Pathogenic for Retinoblastoma. Last evaluated: 2024-05-20. Review status: criteria provided, single submitter. Criteria: ACMG Guidelines, 2015. Collection method: clinical testing. Allele origin: germline. Affected: yes. Observed: 1 variant allele.
Comment: Case and Pedigree Information: BILATERAL CASES:0, UNILATERAL CASES:1, TOTAL CASES:1, PEDIGREES:1. ACMG Codes Applied:PVS1, PM2

NM_000321.3(RB1):c.1699del (p.Ser567fs)

Gene: RB1 (RB transcriptional corepressor 1; plus strand). Cytogenetic location: 13q14.2.
Variant type: Deletion.
Coding change: c.1699del on transcript NM_000321.3 (MANE Select); coding-DNA position 1699, one base deleted (T; older notation c.1699delT).
Protein change: p.Ser567fs; shifts the reading frame from serine 567.
Molecular consequence: frameshift variant.
Genome position (GRCh38, 1-based): chr13:48,452,996, T deleted; the last of 2 consecutive T bases (chr13:48,452,995-48,452,996); deleting either gives the same sequence. VCF-style (leftmost placement, unchanged base first): chr13-48452994-AT-A. GRCh37 (hg19) VCF-style: chr13-49027130-AT-A.
Other names: c.1699del, p.Ser567fs (NM_001407165.1); short protein forms S567fs.
Identifiers: ClinVar variation 3237023 (VCV003237023.1), dbSNP rs2542360559.
Genomic context (GRCh38, chr13:48,452,994, plus strand): 5'-ATGTACCTGGGAAAATTATGCTTACTAATGTGGTTTTAATTTCATCATGTTTCATATAGG[AT>A]TCACCTTTATTTGATCTTATTAAACAATCAAAGGACCGAGAAGGACCAACTGATCACCTT-3'